The following is an entry in ClinVar:

ClinVar aggregate classification (germline): Uncertain significance (1 of 4 stars; one submission).

Conditions:
Autosomal dominant Parkinson disease 8. Also called: LRRK2-Related Parkinson Disease; Parkinson disease 8; Parkinson disease 8, susceptibility to. Identifiers: Orphanet 411602, MedGen C1846862, MONDO:0011764, OMIM 607060.

gnomAD v4.1: 1 of 1,613,182 alleles (0.000062%); highest among the groups gnomAD compares: Non-Finnish European, 0.000085%; no homozygotes.

Submission:

Labcorp Genetics (formerly Invitae), Labcorp
Classification: Uncertain significance for Autosomal dominant Parkinson disease 8. Last evaluated: 2026-02-03. Review status: criteria provided, single submitter. Criteria: Invitae Variant Classification Sherloc (09022015). Collection method: clinical testing. Allele origin: germline.
Comment: This sequence change replaces isoleucine, which is neutral and non-polar, with valine, which is neutral and non-polar, at codon 1504 of the LRRK2 protein (p.Ile1504Val). This variant is not present in population databases (gnomAD no frequency). This variant has not been reported in the literature in individuals affected with LRRK2-related conditions. Invitae Evidence Modeling of protein sequence and biophysical properties (such as structural, functional, and spatial information, amino acid conservation, physicochemical variation, residue mobility, and thermodynamic stability) has been performed for this missense variant. However, the output from this modeling did not meet the statistical confidence thresholds required to predict the impact of this variant on LRRK2 protein function. In summary, the available evidence is currently insufficient to determine the role of this variant in disease. Therefore, it has been classified as a Variant of Uncertain Significance.

NM_198578.4(LRRK2):c.4510A>G (p.Ile1504Val)

Gene: LRRK2 (leucine rich repeat kinase 2; plus strand). Cytogenetic location: 12q12.
Variant type: single nucleotide variant.
Coding change: c.4510A>G on transcript NM_198578.4 (MANE Select); coding-DNA position 4510, A replaced by G.
Protein change: p.Ile1504Val; replaces isoleucine 1504 with valine.
Molecular consequence: missense variant.
Genome position (GRCh38, 1-based): chr12:40,310,623, A>G. VCF-style: chr12-40310623-A-G. GRCh37 (hg19) VCF-style: chr12-40704425-A-G.
Other names: short protein forms I1504V.
Identifiers: ClinVar variation 4701995 (VCV004701995.1).